The following is an entry in ClinVar:

NM_007294.4(BRCA1):c.3524C>T (p.Ala1175Val)

Genes: BRCA1 (BRCA1 DNA repair associated; minus strand), LOC126862571 (BRD4-independent group 4 enhancer GRCh37_chr17:41243136-41244335; plus strand). Cytogenetic location: 17q21.31.
Variant type: single nucleotide variant.
Coding change: c.3524C>T on transcript NM_007294.4 (MANE Select); coding-DNA position 3524, C replaced by T.
Protein change: p.Ala1175Val; replaces alanine 1175 with valine.
Molecular consequence: missense variant. On other transcripts: intron variant (135).
Genome position (GRCh38, 1-based): chr17:43,092,007, G>A on the plus strand (C>T on the coding strand, the complement: BRCA1 is on the minus strand). VCF-style: chr17-43092007-G-A. GRCh37 (hg19) VCF-style: chr17-41244024-G-A.
Other names: c.3383C>T, p.Ala1128Val (NM_001407852.1, NM_001407942.1, NM_001407944.1 and 29 more transcripts); c.3311C>T, p.Ala1104Val (NM_001407853.1, NM_001407894.1, NM_001407895.1 and 9 more transcripts); c.3524C>T, p.Ala1175Val (NM_001407854.1, NM_001407858.1, NM_001407859.1 and 30 more transcripts); c.3521C>T, p.Ala1174Val (NM_001407860.1, NM_001407861.1, NM_001407587.1 and 22 more transcripts); c.3323C>T, p.Ala1108Val (NM_001407862.1); c.3401C>T, p.Ala1134Val (NM_001407863.1, NM_001407919.1, NM_001407937.1 and 19 more transcripts); c.3320C>T, p.Ala1107Val (NM_001407874.1, NM_001407875.1); c.3314C>T, p.Ala1105Val (NM_001407879.1, NM_001407881.1, NM_001407882.1 and 13 more transcripts); and 41 more; short protein forms A1175V, A1128V, A1047V, A1087V, A1148V, A1007V, A1063V, A1064V.
Identifiers: ClinVar variation 632683 (VCV000632683.13), dbSNP rs1567791322, ClinGen allele CA10594920.

ClinVar aggregate classification (germline): Conflicting classifications of pathogenicity. Review status: criteria provided, conflicting classifications (1 of 4 stars). 4 submissions from 4 submitters: Uncertain significance (3); Likely benign (1). Last evaluated 2023-04-14.

Conditions:
Hereditary breast ovarian cancer syndrome. Also called: Hereditary breast and ovarian cancer; Hereditary breast and ovarian cancer syndrome (HBOC); Breast and ovarian cancer; Hereditary breast and ovarian cancer syndrome; BRCA1- and BRCA2-Associated Hereditary Breast and Ovarian Cancer; Hereditary breast and/or ovarian cancer syndrome. Identifiers: Orphanet 145, MedGen C0677776, MeSH D061325, MONDO:0003582. Disease mechanism: loss of function.
Hereditary cancer-predisposing syndrome. Also called: Tumor predisposition; Neoplastic Syndromes, Hereditary; Hereditary neoplastic syndrome; Hereditary Cancer Syndrome. Identifiers: Orphanet 140162, MedGen C0027672, MeSH D009386, MONDO:0015356.

Submissions (4):

Ambry Genetics
Classification: Uncertain significance for Hereditary cancer-predisposing syndrome. Last evaluated: 2023-04-14. Review status: criteria provided, single submitter. Criteria: Ambry Variant Classification Scheme 2023. Collection method: clinical testing. Allele origin: germline.
Comment: The p.A1175V variant (also known as c.3524C>T), located in coding exon 9 of the BRCA1 gene, results from a C to T substitution at nucleotide position 3524. The alanine at codon 1175 is replaced by valine, an amino acid with similar properties. This amino acid position is highly conserved in available vertebrate species. In addition, the in silico prediction for this alteration is inconclusive. Since supporting evidence is limited at this time, the clinical significance of this alteration remains unclear.

University of Washington Department of Laboratory Medicine, University of Washington
Classification: Likely benign for Hereditary cancer-predisposing syndrome. Last evaluated: 2023-03-23. Review status: criteria provided, single submitter. Criteria: Dines et al. (Genet Med. 2020). Collection method: curation. Allele origin: germline.
Comment: Missense variant in a coldspot region where missense variants are very unlikely to be pathogenic (PMID:31911673).

BRCA1 coldspot (exon 11 using historical exon numbering). Reclassification based on statistical prior probability

Labcorp Genetics (formerly Invitae), Labcorp
Classification: Uncertain significance for Hereditary breast ovarian cancer syndrome. Last evaluated: 2022-06-15. Review status: criteria provided, single submitter. Criteria: Invitae Variant Classification Sherloc (09022015). Collection method: clinical testing. Allele origin: germline.
Comment: In summary, the available evidence is currently insufficient to determine the role of this variant in disease. Therefore, it has been classified as a Variant of Uncertain Significance. This sequence change replaces alanine, which is neutral and non-polar, with valine, which is neutral and non-polar, at codon 1175 of the BRCA1 protein (p.Ala1175Val). This variant is not present in population databases (gnomAD no frequency). This variant has not been reported in the literature in individuals affected with BRCA1-related conditions. ClinVar contains an entry for this variant (Variation ID: 632683). Advanced modeling of protein sequence and biophysical properties (such as structural, functional, and spatial information, amino acid conservation, physicochemical variation, residue mobility, and thermodynamic stability) performed at Invitae indicates that this missense variant is not expected to disrupt BRCA1 protein function.

Women's Health and Genetics/Laboratory Corporation of America, LabCorp
Classification: Uncertain significance. Last evaluated: 2019-10-18. Review status: criteria provided, single submitter. Criteria: LabCorp Variant Classification Summary - May 2015. Collection method: clinical testing. Allele origin: germline.
Comment: Variant summary: BRCA1 c.3524C>T (p.Ala1175Val) results in a non-conservative amino acid change located in the outside of any known functional domain of the encoded protein sequence. Five of five in-silico tools predict a damaging effect of the variant on protein function. The variant was absent in 251270 control chromosomes (gnomAD). The available data on variant occurrences in the general population are insufficient to allow any conclusion about variant significance. To our knowledge, no occurrence of c.3524C>T in individuals affected with Hereditary Breast and Ovarian Cancer and no experimental evidence demonstrating its impact on protein function have been reported. No clinical diagnostic laboratories have submitted clinical-significance assessments for this variant to ClinVar after 2014. Based on the evidence outlined above, the variant was classified as uncertain significance.